The following is an entry in ClinVar:

ClinVar aggregate classification (germline): Uncertain significance (1 of 4 stars; one submission).

Conditions:
Myopathy, proximal, and ophthalmoplegia (CMYO6). Also called: CONGENITAL MYOPATHY 6 WITH OPHTHALMOPLEGIA; MYOPATHY WITH CONGENITAL JOINT CONTRACTURES, OPHTHALMOPLEGIA, AND RIMMED VACUOLES; INCLUSION BODY MYOPATHY 3, AUTOSOMAL DOMINANT. Identifiers: Orphanet 363677, Orphanet 79091, MedGen C1854106, MONDO:0011577, OMIM 605637.

Allele frequency attached by ClinVar (database versions not stated): gnomAD exomes below 0.00001; gnomAD 0.00001; ExAC 0.00002.
gnomAD v4.1: 5 of 1,614,086 alleles (0.00031%); highest among the groups gnomAD compares: Admixed American, 0.0017%; no homozygotes.

Submission:

Labcorp Genetics (formerly Invitae), Labcorp
Classification: Uncertain significance for Myopathy, proximal, and ophthalmoplegia. Last evaluated: 2023-01-22. Review status: criteria provided, single submitter. Criteria: Invitae Variant Classification Sherloc (09022015). Collection method: clinical testing. Allele origin: germline.
Comment: In summary, the available evidence is currently insufficient to determine the role of this variant in disease. Therefore, it has been classified as a Variant of Uncertain Significance. Advanced modeling of protein sequence and biophysical properties (such as structural, functional, and spatial information, amino acid conservation, physicochemical variation, residue mobility, and thermodynamic stability) performed at Invitae indicates that this missense variant is not expected to disrupt MYH2 protein function. This variant has not been reported in the literature in individuals affected with MYH2-related conditions. This variant is present in population databases (rs750888797, gnomAD 0.002%). This sequence change replaces isoleucine, which is neutral and non-polar, with phenylalanine, which is neutral and non-polar, at codon 1167 of the MYH2 protein (p.Ile1167Phe).

NM_017534.6(MYH2):c.3499A>T (p.Ile1167Phe)

Genes: MYH2 (myosin heavy chain 2; minus strand), MYHAS (myosin heavy chain gene cluster antisense RNA; plus strand). Cytogenetic location: 17p13.1.
Variant type: single nucleotide variant.
Coding change: c.3499A>T on transcript NM_017534.6 (MANE Select); coding-DNA position 3499, A replaced by T.
Protein change: p.Ile1167Phe; replaces isoleucine 1167 with phenylalanine.
Molecular consequence: missense variant.
Genome position (GRCh38, 1-based): chr17:10,528,935, T>A on the plus strand (A>T on the coding strand, the complement: MYH2 is on the minus strand). VCF-style: chr17-10528935-T-A. GRCh37 (hg19) VCF-style: chr17-10432252-T-A.
Other names: c.3499A>T, p.Ile1167Phe (NM_001100112.2); short protein forms I1167F.
Identifiers: ClinVar variation 3006256 (VCV003006256.3), dbSNP rs750888797, ClinGen allele CA8390878.